The following is an entry in ClinVar:

NM_004360.5(CDH1):c.1434G>C (p.Leu478=)

Gene: CDH1 (cadherin 1; plus strand). Cytogenetic location: 16q22.1.
Variant type: single nucleotide variant.
Coding change: c.1434G>C on transcript NM_004360.5 (MANE Select); coding-DNA position 1434, G replaced by C.
Protein change: p.Leu478=; no amino-acid change (leucine 478 retained).
Molecular consequence: synonymous variant. On other transcripts: 5 prime UTR variant (2).
Genome position (GRCh38, 1-based): chr16:68,815,628, G>C. VCF-style: chr16-68815628-G-C. GRCh37 (hg19) VCF-style: chr16-68849531-G-C.
Other names: c.1251G>C, p.Leu417= (NM_001317184.2); c.-115G>C (NM_001317185.2); c.-386G>C (NM_001317186.2).
Identifiers: ClinVar variation 1772587 (VCV001772587.6), dbSNP rs1960963649, ClinGen allele CA496154028.
Genomic context (GRCh38, chr16:68,815,628, plus strand): 5'-TGTGGTACCTTTTGAGGTCTCTCTCACCACCTCCACAGCCACCGTCACCGTGGATGTGCT[G>C]GATGTGAATGAAGCCCCCATCTTTGTGCCTCCTGAAAAGAGAGTGGAAGTGTCCGAGGAC-3'
Protein context (NP_004351.1, residues 468-488): TSTATVTVDV[Leu478=]DVNEAPIFVP

ClinVar aggregate classification (germline): Benign/Likely benign. Review status: criteria provided, multiple submitters, no conflicts (2 of 4 stars). 3 submissions from 3 submitters: Benign (1); Likely benign (2). Last evaluated 2024-09-18.

Conditions:
Hereditary diffuse gastric adenocarcinoma (HDGC). Also called: DIFFUSE GASTRIC AND LOBULAR BREAST CANCER SYNDROME. Identifiers: Orphanet 26106, MedGen C1708349, MONDO:0007648, OMIM 137215.
Hereditary cancer-predisposing syndrome. Also called: Tumor predisposition; Neoplastic Syndromes, Hereditary; Hereditary Cancer Syndrome; Hereditary neoplastic syndrome. Identifiers: Orphanet 140162, MedGen C0027672, MeSH D009386, MONDO:0015356.

Submissions (3):

Myriad Genetics, Inc.
Classification: Benign for Hereditary diffuse gastric adenocarcinoma. Last evaluated: 2024-09-18. Review status: criteria provided, single submitter. Criteria: Myriad Autosomal Dominant, Autosomal Recessive and X-Linked Classification Criteria (2023). Collection method: clinical testing. Allele origin: unknown.
Comment: This variant is considered benign. This variant is a silent/synonymous amino acid change and it is not expected to impact splicing.

Labcorp Genetics (formerly Invitae), Labcorp
Classification: Likely benign for Hereditary diffuse gastric adenocarcinoma. Last evaluated: 2023-01-09. Review status: criteria provided, single submitter. Criteria: Invitae Variant Classification Sherloc (09022015). Collection method: clinical testing. Allele origin: germline.

Ambry Genetics
Classification: Likely benign for Hereditary cancer-predisposing syndrome. Last evaluated: 2021-09-09. Review status: criteria provided, single submitter. Criteria: Ambry Variant Classification Scheme 2023. Collection method: clinical testing. Allele origin: germline.